The following is an entry in ClinVar:

ClinVar aggregate classification (germline): Conflicting classifications of pathogenicity. Review status: criteria provided, conflicting classifications (1 of 4 stars). 9 submissions from 9 submitters: Pathogenic (4); Likely pathogenic (3); Uncertain significance (1). 1 of the submissions does not count toward it. Last evaluated 2024-11-15.

Conditions:
SMPD1-related disorder. Also called: SMPD1-related condition.
Niemann-Pick disease, type A. Also called: Infantile Neurovisceral ASMD (Niemann-Pick Disease Type A; NPD-A); SPHINGOMYELIN LIPIDOSIS; SPHINGOMYELINASE DEFICIENCY. Identifiers: Orphanet 77292, MedGen C0268242, MONDO:0009756, OMIM 257200. Disease mechanism: loss of function.
Niemann-Pick disease, type B. Also called: Chronic Visceral ASMD (Niemann-Pick Disease Type B; NPD-B). Identifiers: Orphanet 77293, MedGen C0268243, MONDO:0011871, OMIM 607616. Disease mechanism: loss of function.
Sphingomyelin/cholesterol lipidosis. Also called: Niemann-Pick disease. Identifiers: MedGen C0028064, MONDO:0001982.

Allele frequency attached by ClinVar (database versions not stated): gnomAD 0.00001; TOPMed 0.00001.

Submissions (9):

Natera, Inc.
Classification: Likely pathogenic for Niemann-Pick Disease, Types A/B. Last evaluated: 2024-11-15. Review status: criteria provided, single submitter. Criteria: Natera Variant Classification Schema (03/2026). Collection method: clinical testing. Allele origin: germline.
Comment: The c.742G>A variant in SMPD1 is a missense variant predicted to cause substitution of glutamic acid to lysine at amino acid 248. This variant is rare in the general population with a frequency below the threshold expected for the associated phenotype(s). This variant has been observed in one or more individuals affected with the associated recessive disease, as either homozygous or compound heterozygous with a second variant (PMID: 15221801, 19411774). Computational prediction algorithms indicate this variant is likely to affect gene or protein function. Given the available evidence, this variant is classified as Likely Pathogenic.

Labcorp Genetics (formerly Invitae), Labcorp
Classification: Pathogenic for Niemann-Pick disease, type B; Niemann-Pick disease, type A. Last evaluated: 2024-02-05. Review status: criteria provided, single submitter. Criteria: Invitae Variant Classification Sherloc (09022015). Collection method: clinical testing. Allele origin: germline.
Comment: This sequence change replaces glutamic acid, which is acidic and polar, with lysine, which is basic and polar, at codon 248 of the SMPD1 protein (p.Glu248Lys). This variant is present in population databases (rs200763423, gnomAD 0.0008%). This missense change has been observed in individuals with Niemann-Pick disease (PMID: 15221801, 19411774, 33675270). This variant is also known as p.E246K. ClinVar contains an entry for this variant (Variation ID: 496823). Advanced modeling of protein sequence and biophysical properties (such as structural, functional, and spatial information, amino acid conservation, physicochemical variation, residue mobility, and thermodynamic stability) has been performed at Invitae for this missense variant, however the output from this modeling did not meet the statistical confidence thresholds required to predict the impact of this variant on SMPD1 protein function. This variant disrupts the p.Glu248 amino acid residue in SMPD1. Other variant(s) that disrupt this residue have been determined to be pathogenic (PMID: 8664904). This suggests that this residue is clinically significant, and that variants that disrupt this residue are likely to be disease-causing. For these reasons, this variant has been classified as Pathogenic.

Baylor Genetics
Classification: Likely pathogenic for Niemann-Pick disease, type A. Last evaluated: 2023-11-22. Review status: criteria provided, single submitter. Criteria: ACMG Guidelines, 2015. Collection method: clinical testing. Allele origin: unknown.

Broad Center for Mendelian Genomics, Broad Institute of MIT and Harvard
Classification: Uncertain significance for Sphingomyelin/cholesterol lipidosis. Last evaluated: 2020-01-22. Review status: criteria provided, single submitter. Criteria: ACMG Guidelines, 2015. Collection method: curation. Allele origin: germline. Inheritance: Autosomal recessive inheritance.
Comment: The p.Glu248Lys variant in SMPD1 (also known as p.Glu246Lys due to a difference in cDNA numbering) has been reported in 2 Italian individuals and 1 Korean individual with Niemann-Pick disease (PMID: 15221801, 19411774) and has been identified in 0.001% (1/128306) of European (non-Finnish) chromosomes by the Genome Aggregation Database (gnomAD; dbSNP rs200763423). Although this variant has been seen in the general population, its frequency is low enough to be consistent with a recessive carrier frequency. This variant has also been reported in ClinVar (VariationID: 496823) as pathogenic by EGL Genetic Diagnostics. Computational prediction tools and conservation analyses do not provide strong support for or against an impact to the protein. The presence of this variant in an affected homozygote and in combination with a likely pathogenic variant in an individual with Niemann-Pick disease increases the likelihood that the p.Glu248Lys variant is pathogenic (PMID: 15221801). In summary, while there is some suspicion for a pathogenic role, the clinical significance of this variant is uncertain. ACMG/AMP Criteria applied: PM2, PM3_supporting (Richards 2015).

Institute of Human Genetics, University of Leipzig Medical Center
Classification: Likely pathogenic for Niemann-Pick disease, type A. Last evaluated: 2019-04-11. Review status: criteria provided, single submitter. Criteria: ACMG Guidelines, 2015. Collection method: clinical testing. Allele origin: germline. Affected: yes. Observed: 1 variant allele.
Comment: This variant was identified as homozygous

Eurofins Ntd Llc (ga)
Classification: Pathogenic. Last evaluated: 2017-03-03. Review status: criteria provided, single submitter. Criteria: EGL Classification Definitions 2015. Collection method: clinical testing. Allele origin: germline. Observed: 1 variant allele, 1 heterozygote.

Foundation for Research in Genetics and Endocrinology, FRIGE's Institute of Human Genetics
Classification: Pathogenic for Niemann-Pick disease, type A. Review status: criteria provided, single submitter. Criteria: ACMG Guidelines, 2015. Collection method: clinical testing. Allele origin: germline. Inheritance: Autosomal recessive inheritance. Affected: yes. Observed: 1 homozygote.
Comment: A homozygous missense variant in exon 2 of the SMPD1 gene that results in the amino acid substitution of Lysine for Glutamic acid at codon 248 was detected. The observed variant c.742G>A (p.Glu248Lys) has not been reported in the 1000 genomes and has a MAF of 0.004% in the gnomAD databases. The in silico prediction of the variant is damaging by SIFT, DANN, and MutationTaster2. The reference codon is conserved across species. In summary, the variant meets our criteria to be classified as pathogenic.

Neuberg Centre For Genomic Medicine, NCGM
Classification: Pathogenic for Niemann-Pick disease, type B. Review status: criteria provided, single submitter. Criteria: ACMG Guidelines, 2015. Collection method: clinical testing. Allele origin: germline. Inheritance: Autosomal recessive inheritance. Affected: yes.
Comment: Functional studies performed at one of the submitters lab indicates that this missense variant is expected to disrupt SMPD1 protein function. The p.Glu248Lys variant is reported with the allele frequency (0.00035%) in the gnomAD and novel in 1000 genome database. This variant has been reported to the ClinVar database as Pathogenic / likely Pathogenic and Uncertain Significance (VUS). The amino acid Glu at position 248 is changed to a Lys changing protein sequence and it might alter its composition and physico-chemical properties. The amino acid change p.Glu248Lys in SMPD1 is predicted as conserved by GERP++ and PhyloP across 100 vertebrates. For these reasons, this variant has been classified as Pathogenic. In the absence of another het erozygous variant , the molecular diagnosis is not confirmed.

PreventionGenetics, part of Exact Sciences
Classification: Likely pathogenic for SMPD1-related condition. Last evaluated: 2024-06-06. Review status: no assertion criteria provided. Collection method: clinical testing. Allele origin: germline. Not counted in ClinVar's aggregate classification.
Comment: The SMPD1 c.742G>A variant is predicted to result in the amino acid substitution p.Glu248Lys. This variant, also referred to as c.736G>A (p.Glu246Lys), has been reported in the homozygous and compound heterozygous states in multiple individuals with Niemann-Pick disease (see for example, Table 3, Ricci et al. 2004. PubMed ID: 15221801; Figure 4, Cho et al. 2009. PubMed ID: 19411774; Table 1, Molnar et al. 2023. PubMed ID: 37347058). A different missense variant in the same codon (Reported as p.Glu245Gln) has been reported in an individual with Niemann-Pick disease (Ida et al. 1996. PubMed ID: 8664904) suggesting that substitution of amino acid residue p.Glu248 is not tolerated. This variant is reported in 0.00078% of alleles in individuals of European (non-Finnish) descent in gnomAD. This variant is interpreted as likely pathogenic.

Literature cited by the submitters: PubMed 15221801 (cited by 3 submitters); PubMed 19411774 (cited by 3 submitters); PubMed 33675270 (cited by Labcorp Genetics (formerly Invitae), Labcorp); PubMed 8664904 (cited by Labcorp Genetics (formerly Invitae), Labcorp).

NM_000543.5(SMPD1):c.742G>A (p.Glu248Lys)

Gene: SMPD1 (sphingomyelin phosphodiesterase 1; plus strand). Cytogenetic location: 11p15.4.
Variant type: single nucleotide variant.
Coding change: c.742G>A on transcript NM_000543.5 (MANE Select); coding-DNA position 742, G replaced by A.
Protein change: p.Glu248Lys; replaces glutamic acid 248 with lysine.
Molecular consequence: missense variant. On other transcripts: 5 prime UTR variant (1), non-coding transcript variant (1).
Genome position (GRCh38, 1-based): chr11:6,391,807, G>A. VCF-style: chr11-6391807-G-A. GRCh37 (hg19) VCF-style: chr11-6413037-G-A.
Other names: c.739G>A, p.Glu247Lys (NM_001007593.3); c.742G>A, p.Glu248Lys (NM_001318087.2, NM_001365135.2); c.-220G>A (NM_001318088.2); short protein forms E248K, E247K.
Identifiers: ClinVar variation 496823 (VCV000496823.20), dbSNP rs200763423, ClinGen allele CA217299538.